The following is an entry in ClinVar:

ClinVar aggregate classification (germline): Uncertain significance. Review status: criteria provided, multiple submitters, no conflicts (2 of 4 stars). 2 submissions from 2 submitters: Uncertain significance (2). Last evaluated 2025-04-18.

Conditions:
Inborn genetic diseases. Identifiers: MedGen C0950123, MeSH D030342.

Allele frequency attached by ClinVar (database versions not stated): TOPMed 0.00012; ESP Exome Variant Server 0.00023; gnomAD exomes 0.00001; ExAC 0.00004; gnomAD 0.00017.
gnomAD v4.1: 44 of 1,614,162 alleles (0.0027%); highest among the groups gnomAD compares: African/African-American, 0.055%; no homozygotes.

Submissions (2):

Ambry Genetics
Classification: Uncertain significance for Inborn genetic diseases. Last evaluated: 2025-04-18. Review status: criteria provided, single submitter. Criteria: Ambry Variant Classification Scheme 2023. Collection method: clinical testing. Allele origin: germline.

Labcorp Genetics (formerly Invitae), Labcorp
Classification: Uncertain significance. Last evaluated: 2025-04-18. Review status: criteria provided, single submitter. Criteria: Invitae Variant Classification Sherloc (09022015). Collection method: clinical testing. Allele origin: germline.
Comment: This sequence change replaces serine, which is neutral and polar, with phenylalanine, which is neutral and non-polar, at codon 622 of the ALPK1 protein (p.Ser622Phe). This variant is present in population databases (rs151196947, gnomAD 0.02%). This variant has not been reported in the literature in individuals affected with ALPK1-related conditions. ClinVar contains an entry for this variant (Variation ID: 2758288). Invitae Evidence Modeling of protein sequence and biophysical properties (such as structural, functional, and spatial information, amino acid conservation, physicochemical variation, residue mobility, and thermodynamic stability) indicates that this missense variant is not expected to disrupt ALPK1 protein function with a negative predictive value of 80%. In summary, the available evidence is currently insufficient to determine the role of this variant in disease. Therefore, it has been classified as a Variant of Uncertain Significance.

NM_025144.4(ALPK1):c.1865C>T (p.Ser622Phe)

Gene: ALPK1 (alpha kinase 1; plus strand). Cytogenetic location: 4q25.
Variant type: single nucleotide variant.
Coding change: c.1865C>T on transcript NM_025144.4 (MANE Select); coding-DNA position 1865, C replaced by T.
Protein change: p.Ser622Phe; replaces serine 622 with phenylalanine.
Molecular consequence: missense variant.
Genome position (GRCh38, 1-based): chr4:112,431,412, C>T. VCF-style: chr4-112431412-C-T. GRCh37 (hg19) VCF-style: chr4-113352568-C-T.
Other names: c.1865C>T, p.Ser622Phe (NM_001102406.2); c.1631C>T, p.Ser544Phe (NM_001253884.2); c.1865C>T (NM_025144.3); short protein forms S544F, S622F.
Identifiers: ClinVar variation 2758288 (VCV002758288.4), dbSNP rs151196947, ClinGen allele CA3046816.